The following is an entry in ClinVar:

ClinVar aggregate classification (germline): Uncertain significance (1 of 4 stars; one submission).

Conditions:
Dilated cardiomyopathy 1R (CMD1R). Identifiers: Orphanet 154, Orphanet 54260, MedGen C3150681, MONDO:0013261, OMIM 613424.
Atrial septal defect 5 (ASD5). Identifiers: Orphanet 1478, MedGen C2748552, MONDO:0013011, OMIM 612794.
Hypertrophic cardiomyopathy 11. Also called: ACTC1-Related Familial Hypertrophic Cardiomyopathy. Identifiers: MedGen C2677506, MONDO:0012799, OMIM 612098.

Submission:

Labcorp Genetics (formerly Invitae), Labcorp
Classification: Uncertain significance for Dilated cardiomyopathy 1R; Hypertrophic cardiomyopathy 11; Atrial septal defect 5. Last evaluated: 2022-10-01. Review status: criteria provided, single submitter. Criteria: Invitae Variant Classification Sherloc (09022015). Collection method: clinical testing. Allele origin: germline.
Comment: This sequence change replaces leucine, which is neutral and non-polar, with valine, which is neutral and non-polar, at codon 142 of the ACTC1 protein (p.Leu142Val). This variant is not present in population databases (gnomAD no frequency). In summary, the available evidence is currently insufficient to determine the role of this variant in disease. Therefore, it has been classified as a Variant of Uncertain Significance. Advanced modeling of protein sequence and biophysical properties (such as structural, functional, and spatial information, amino acid conservation, physicochemical variation, residue mobility, and thermodynamic stability) performed at Invitae indicates that this missense variant is expected to disrupt ACTC1 protein function. This variant has not been reported in the literature in individuals affected with ACTC1-related conditions.

NM_005159.5(ACTC1):c.424C>G (p.Leu142Val)

Genes: ACTC1 (actin alpha cardiac muscle 1; minus strand), GJD2-DT (GJD2 divergent transcript; plus strand). Cytogenetic location: 15q14.
Variant type: single nucleotide variant.
Coding change: c.424C>G on transcript NM_005159.5 (MANE Select); coding-DNA position 424, C replaced by G.
Protein change: p.Leu142Val; replaces leucine 142 with valine.
Molecular consequence: missense variant.
Genome position (GRCh38, 1-based): chr15:34,793,275, G>C on the plus strand (C>G on the coding strand, the complement: ACTC1 is on the minus strand). VCF-style: chr15-34793275-G-C. GRCh37 (hg19) VCF-style: chr15-35085476-G-C.
Other names: c.424C>G, p.Leu142Val (NM_001406482.1, NM_001406483.1); c.289C>G, p.Leu97Val (NM_001406484.1); short protein forms L142V, L97V.
Identifiers: ClinVar variation 1720738 (VCV001720738.5), dbSNP rs1891744697, ClinGen allele CA391631261.